The following is an entry in ClinVar:

ClinVar aggregate classification (germline): Likely benign (1 of 4 stars; one submission).

Allele frequency attached by ClinVar (database versions not stated): 1000 Genomes Project 30x 0.00016; 1000 Genomes Project 0.00020.

Submission:

CeGaT Center for Human Genetics Tuebingen
Classification: Likely benign. Last evaluated: 2022-10-01. Review status: criteria provided, single submitter. Criteria: CeGaT Center For Human Genetics Tuebingen Variant Classification Criteria Version 2. Collection method: clinical testing. Allele origin: germline. Affected: yes. Observed: 1 variant allele.
Comment: TOP3B: BP4, BP7

NM_001282112.2(TOP3B):c.2220G>A (p.Ser740=)

Gene: TOP3B (DNA topoisomerase III beta; minus strand). Cytogenetic location: 22q11.22.
Variant type: single nucleotide variant.
Coding change: c.2220G>A on transcript NM_001282112.2 (MANE Select); coding-DNA position 2220, G replaced by A.
Protein change: p.Ser740=; no amino-acid change (serine 740 retained).
Molecular consequence: synonymous variant. On other transcripts: 3 prime UTR variant (2), non-coding transcript variant (1).
Genome position (GRCh38, 1-based): chr22:21,957,483, C>T on the plus strand (G>A on the coding strand, the complement: TOP3B is on the minus strand). VCF-style: chr22-21957483-C-T. GRCh37 (hg19) VCF-style: chr22-22311855-C-T.
Other names: c.2220G>A, p.Ser740= (NM_001282113.2, NM_001349845.2, NM_001349847.2 and 1 more transcripts); c.1812G>A, p.Ser604= (NM_001349848.2, NM_001349850.2); c.*923G>A (NM_001349851.2, NM_001349852.2).
Identifiers: ClinVar variation 2652952 (VCV002652952.24), dbSNP rs547593245, ClinGen allele CA322358209.